The following is an entry in ClinVar:

NC_000016.9:g.(?_89871678)_(89877489_?)del

Gene: FANCA (FA complementation group A; minus strand). Cytogenetic location: 16q24.3.
Variant type: Deletion.
Identifiers: ClinVar variation 1457113 (VCV001457113.5).

ClinVar aggregate classification (germline): Pathogenic (1 of 4 stars; one submission).

Conditions:
Fanconi anemia (FA). Also called: Fanconi's anemia. Identifiers: Orphanet 84, MedGen C0015625, MeSH D005199, MONDO:0019391.

Submission:

Labcorp Genetics (formerly Invitae), Labcorp
Classification: Pathogenic for Fanconi anemia. Last evaluated: 2021-08-12. Review status: criteria provided, single submitter. Criteria: Invitae Variant Classification Sherloc (09022015). Collection method: clinical testing. Allele origin: germline.
Comment: This variant is a gross deletion of the genomic region encompassing exon(s) 4-7 of the FANCA gene. This variant would be expected to be in-frame, preserving the integrity of the reading frame. A similar copy number variant has been observed in individuals with Fanconi anemia (PMID: 26799702, 29098742). The region of the FANCA gene that includes exon(s) 6-7 has been determined to be clinically significant (PMID: 15059067, 16015582, 24584348, 26841305, 29098742, 29797310). Therefore, deletions that encompass that region are likely to be disease-causing. For these reasons, this variant has been classified as Pathogenic.

Literature cited by the submitters: PubMed 26799702; PubMed 29098742; PubMed 15059067; PubMed 16015582; PubMed 24584348; PubMed 26841305; PubMed 29797310.